The following is an entry in ClinVar:

NM_130849.4(SLC39A4):c.1628-2A>G

Gene: SLC39A4 (solute carrier family 39 member 4; minus strand). Cytogenetic location: 8q24.3.
Variant type: single nucleotide variant.
Coding change: c.1628-2A>G on transcript NM_130849.4 (MANE Select); the canonical splice acceptor site of the intron before coding-DNA position 1628, A replaced by G.
Molecular consequence: splice acceptor variant.
Genome position (GRCh38, 1-based): chr8:144,412,948, T>C on the plus strand (A>G on the coding strand, the complement: SLC39A4 is on the minus strand). VCF-style: chr8-144412948-T-C. GRCh37 (hg19) VCF-style: chr8-145638332-T-C.
Other names: c.1346-2A>G (NM_001374839.1); c.1553-2A>G (NM_017767.3); c.134-2A>G (NM_001280557.2); c.1628-2A>G (NM_130849.3).
Identifiers: ClinVar variation 1512048 (VCV001512048.9), dbSNP rs1033112015, ClinGen allele CA187645349.
Genomic context (GRCh38, chr8:144,412,948, plus strand): 5'-GTTCAGCAGCAGTGCTTGGCGCACGGACAGCCCCGCGTGCAGCAAGGCGGCGAAGTCCCC[T>C]GCGGGCGAGTCCACATTAACAGCTCCGCCCTCCTAGCTACATGCCCCGCCCACCTCCTTT-3'

ClinVar aggregate classification (germline): Likely pathogenic. Review status: criteria provided, multiple submitters, no conflicts (2 of 4 stars). 2 submissions from 2 submitters: Likely pathogenic (2). Last evaluated 2024-05-07.

Conditions:
Hereditary acrodermatitis enteropathica (AEZ). Also called: Acrodermatitis enteropathica. Identifiers: Orphanet 37, MedGen C0221036, MONDO:0008713, OMIM 201100.

Allele frequency attached by ClinVar (database versions not stated): gnomAD exomes 0.00001; TOPMed 0.00001.
gnomAD v4.1: 15 of 1,593,780 alleles (0.00094%); highest among the groups gnomAD compares: Non-Finnish European, 0.0012%; no homozygotes.

Submissions (2):

Natera, Inc.
Classification: Likely pathogenic for Acrodermatitis enteropathica. Last evaluated: 2024-05-07. Review status: criteria provided, single submitter. Criteria: Natera Variant Classification Schema (03/2026). Collection method: clinical testing. Allele origin: germline.
Comment: The c.1628-2A>G variant in SLC39A4 is a canonical splice acceptor site variant predicted to affect pre-mRNA splicing, which may result in an abnormal transcript and altered protein product. This variant is expected to result in nonsense mediated decay, truncation, or a dysfunctional protein product. This variant is rare in the general population with a frequency below the threshold expected for the associated phenotype(s). Given the available evidence, this variant is classified as Likely Pathogenic.

Labcorp Genetics (formerly Invitae), Labcorp
Classification: Likely pathogenic. Last evaluated: 2023-10-22. Review status: criteria provided, single submitter. Criteria: Invitae Variant Classification Sherloc (09022015). Collection method: clinical testing. Allele origin: germline.
Comment: This sequence change affects an acceptor splice site in intron 10 of the SLC39A4 gene. It is expected to disrupt RNA splicing. Variants that disrupt the donor or acceptor splice site typically lead to a loss of protein function (PMID: 16199547), and loss-of-function variants in SLC39A4 are known to be pathogenic (PMID: 12955721). This variant is present in population databases (no rsID available, gnomAD 0.003%). This variant has not been reported in the literature in individuals affected with SLC39A4-related conditions. ClinVar contains an entry for this variant (Variation ID: 1512048). Algorithms developed to predict the effect of sequence changes on RNA splicing suggest that this variant may disrupt the consensus splice site. In summary, the currently available evidence indicates that the variant is pathogenic, but additional data are needed to prove that conclusively. Therefore, this variant has been classified as Likely Pathogenic.

Literature cited by the submitters: PubMed 16199547 (cited by Labcorp Genetics (formerly Invitae), Labcorp); PubMed 12955721 (cited by Labcorp Genetics (formerly Invitae), Labcorp).